The following is an entry in ClinVar:

NM_002474.3(MYH11):c.4064A>G (p.Glu1355Gly)

Genes: MYH11 (myosin heavy chain 11; minus strand), NDE1 (nudE neurodevelopment protein 1; plus strand). Cytogenetic location: 16p13.11.
Variant type: single nucleotide variant.
Coding change: c.4064A>G on transcript NM_002474.3 (MANE Select); coding-DNA position 4064, A replaced by G.
Protein change: p.Glu1355Gly; replaces glutamic acid 1355 with glycine.
Molecular consequence: missense variant. On other transcripts: 3 prime UTR variant (2).
Genome position (GRCh38, 1-based): chr16:15,724,699, T>C on the plus strand (A>G on the coding strand, the complement: MYH11 is on the minus strand). VCF-style: chr16-15724699-T-C. GRCh37 (hg19) VCF-style: chr16-15818556-T-C.
Other names: c.4085A>G, p.Glu1362Gly (NM_001040113.2, NM_001040114.2); c.4064A>G, p.Glu1355Gly (NM_022844.3); c.*448T>C (NM_001143979.2, NM_017668.3); short protein forms E1355G, E1362G.
Identifiers: ClinVar variation 4537609 (VCV004537609.1).

ClinVar aggregate classification (germline): Uncertain significance (1 of 4 stars; one submission).

Submission:

GeneDx
Classification: Uncertain significance. Last evaluated: 2025-06-11. Review status: criteria provided, single submitter. Criteria: GeneDx Variant Classification Process June 2021. Collection method: clinical testing. Allele origin: germline. Affected: yes.
Comment: Not observed at significant frequency in large population cohorts (gnomAD); In silico analysis supports that this missense variant has a deleterious effect on protein structure/function; Has not been previously published as pathogenic or benign to our knowledge